The following is an entry in ClinVar:

NM_006269.2(RP1):c.1510T>G (p.Ser504Ala)

Gene: RP1 (RP1 axonemal microtubule associated; plus strand). Cytogenetic location: 8q12.1.
Variant type: single nucleotide variant.
Coding change: c.1510T>G on transcript NM_006269.2 (MANE Select); coding-DNA position 1510, T replaced by G.
Protein change: p.Ser504Ala; replaces serine 504 with alanine.
Molecular consequence: missense variant. On other transcripts: intron variant (1).
Genome position (GRCh38, 1-based): chr8:54,625,392, T>G. VCF-style: chr8-54625392-T-G. GRCh37 (hg19) VCF-style: chr8-55537952-T-G.
Other names: c.787+3104T>G (NM_001375654.1); short protein forms S504A.
Identifiers: ClinVar variation 850816 (VCV000850816.11), dbSNP rs530033470, ClinGen allele CA4751392.

ClinVar aggregate classification (germline): Uncertain significance. Review status: criteria provided, multiple submitters, no conflicts (2 of 4 stars). 3 submissions from 3 submitters: Uncertain significance (3). Last evaluated 2025-12-23.

Conditions:
RP1-related disorder. Also called: RP1-related condition.

Allele frequency attached by ClinVar (database versions not stated): TOPMed 0.00010; 1000 Genomes Project 30x 0.00031; 1000 Genomes Project 0.00040.
gnomAD v4.1: 52 of 1,614,072 alleles (0.0032%); highest among the groups gnomAD compares: Admixed American, 0.06%; 1 homozygote.

Submissions (3):

PreventionGenetics, part of Exact Sciences
Classification: Uncertain significance for RP1-related condition. Last evaluated: 2025-12-23. Review status: criteria provided, single submitter. Criteria: ACMG Guidelines, 2015. Collection method: clinical testing. Allele origin: germline.
Comment: The RP1 c.1510T>G variant is predicted to result in the amino acid substitution p.Ser504Ala. This variant has been reported in the homozygous state an individual with RP1-related retinal disease (Kong et al. 2025. PubMed ID: 40724865). It has also been reported as uncertain in a large review study on individuals with autosomal dominant retinitis pigmentosa (Berson et al. 2001. PubMed ID: 11527933). An alternate substitution of this amino acid (p.Ser504Pro) has been reported, along with a second RP1 variant, in an individual with autosomal recessive retinitis pigmentosa (Table S2, Martin-Merida et al. 2019. PubMed ID: 30902645). The c.1510T>G variant is reported in 0.020% of alleles in individuals of Latino descent in gnomAD. At this time, the clinical significance of this variant is uncertain due to the absence of conclusive functional and genetic evidence.

Labcorp Genetics (formerly Invitae), Labcorp
Classification: Uncertain significance. Last evaluated: 2025-12-17. Review status: criteria provided, single submitter. Criteria: Invitae Variant Classification Sherloc (09022015). Collection method: clinical testing. Allele origin: germline.
Comment: This sequence change replaces serine, which is neutral and polar, with alanine, which is neutral and non-polar, at codon 504 of the RP1 protein (p.Ser504Ala). This variant is present in population databases (rs530033470, gnomAD 0.02%). This missense change has been observed in individuals with clinical features of autosomal recessive retinitis pigmentosa (PMID: 40724865; internal data). ClinVar contains an entry for this variant (Variation ID: 850816). An algorithm developed to predict the effect of missense changes on protein structure and function (PolyPhen-2) suggests that this variant is likely to be tolerated. This variant disrupts the p.Ser504 amino acid residue in RP1. Other variant(s) that disrupt this residue have been observed in individuals with RP1-related conditions (PMID: 30902645), which suggests that this may be a clinically significant amino acid residue. In summary, the available evidence is currently insufficient to determine the role of this variant in disease. Therefore, it has been classified as a Variant of Uncertain Significance.

Blueprint Genetics
Classification: Uncertain significance. Last evaluated: 2022-06-23. Review status: criteria provided, single submitter. Criteria: ACMG Guidelines, 2015. Collection method: clinical testing. Allele origin: germline.

Literature cited by the submitters: PubMed 40724865 (cited by Labcorp Genetics (formerly Invitae), Labcorp); PubMed 30902645 (cited by Labcorp Genetics (formerly Invitae), Labcorp).